The following is an entry in ClinVar:

ClinVar aggregate classification (germline): Uncertain significance (1 of 4 stars; one submission).

Submission:

Ambry Genetics
Classification: Uncertain significance. Last evaluated: 2024-09-09. Review status: criteria provided, single submitter. Criteria: Ambry Variant Classification Scheme 2023. Collection method: clinical testing. Allele origin: germline.
Comment: The p.E338G variant (also known as c.1013A>G), located in coding exon 5 of the GALNT12 gene, results from an A to G substitution at nucleotide position 1013. The glutamic acid at codon 338 is replaced by glycine, an amino acid with similar properties. This amino acid position is conserved. In addition, this alteration is predicted to be deleterious by in silico analysis. Based on the available evidence, the clinical significance of this variant remains unclear.

NM_024642.5(GALNT12):c.1013A>G (p.Glu338Gly)

Gene: GALNT12 (polypeptide N-acetylgalactosaminyltransferase 12; plus strand). Cytogenetic location: 9q22.33.
Variant type: single nucleotide variant.
Coding change: c.1013A>G on transcript NM_024642.5 (MANE Select); coding-DNA position 1013, A replaced by G.
Protein change: p.Glu338Gly; replaces glutamic acid 338 with glycine.
Molecular consequence: missense variant.
Genome position (GRCh38, 1-based): chr9:98,835,344, A>G. VCF-style: chr9-98835344-A-G. GRCh37 (hg19) VCF-style: chr9-101597626-A-G.
Other names: short protein forms E338G.
Identifiers: ClinVar variation 3518498 (VCV003518498.1).